The following is an entry in ClinVar:

NM_001035.3(RYR2):c.9361del (p.Asp3120_Leu3121insTer)

Gene: RYR2 (ryanodine receptor 2; plus strand). Cytogenetic location: 1q43.
Variant type: Deletion.
Coding change: c.9361del on transcript NM_001035.3 (MANE Select); coding-DNA position 9361, one base deleted (C; older notation c.9361delC).
Protein change: p.Asp3120_Leu3121insTer.
Molecular consequence: nonsense.
Genome position (GRCh38, 1-based): chr1:237,700,461, C deleted; the last of 2 consecutive C bases (chr1:237,700,460-237,700,461); deleting either gives the same sequence. VCF-style (leftmost placement, unchanged base first): chr1-237700459-AC-A. GRCh37 (hg19) VCF-style: chr1-237863759-AC-A.
Other names: c.9361delC (NM_001035.2).
Identifiers: ClinVar variation 929111 (VCV000929111.2), dbSNP rs1687868371, ClinGen allele CA1139656695.

ClinVar aggregate classification (germline): Uncertain significance (1 of 4 stars; one submission).

Submission:

Women's Health and Genetics/Laboratory Corporation of America, LabCorp
Classification: Uncertain significance. Last evaluated: 2020-09-30. Review status: criteria provided, single submitter. Criteria: LabCorp Variant Classification Summary - May 2015. Collection method: clinical testing. Allele origin: germline.
Comment: Variant summary: RYR2 c.9361delC (p.Leu3121X) results in a premature termination codon, predicted to cause a truncation of the encoded protein or absence of the protein due to nonsense mediated decay. Truncations downstream of this position have been observed at our laboratory. The predominant RYR2 mutational spectrum involves missense variants in individuals with Catecholaminergic Polymorphic Ventricular Tachycardia. Therefore, the impact of loss of function variants in RYR2 on disease is not well established. The variant was absent in 208610 control chromosomes. The available data on variant occurrences in the general population are insufficient to allow any conclusion about variant significance. To our knowledge, no occurrence of c.9361delC in individuals affected with Catecholaminergic Polymorphic Ventricular Tachycardia and no experimental evidence demonstrating its impact on protein function have been reported. No clinical diagnostic laboratories have submitted clinical-significance assessments for this variant to ClinVar after 2014. Based on the evidence outlined above, the variant was classified as uncertain significance.